The following is an entry in ClinVar:

ClinVar aggregate classification (germline): Likely pathogenic (1 of 4 stars; one submission).

Conditions:
Wilson disease (WND). Also called: Wilson's disease. Identifiers: Orphanet 905, MedGen C0019202, MONDO:0010200, OMIM 277900. Disease mechanism: loss of function.

Submission:

Myriad Genetics, Inc.
Classification: Likely pathogenic for Wilson disease. Last evaluated: 2022-01-08. Review status: criteria provided, single submitter. Criteria: Myriad Women's Health Autosomal Recessive and X-Linked Classification Criteria (2021). Collection method: clinical testing. Allele origin: unknown.
Comment: NM_000053.3(ATP7B):c.531_535del5(L178Qfs*24) is expected to be pathogenic in the context of Wilson disease. This variant is predicted to lead to an abnormal or absent protein product due to the creation of a premature termination codon in ATP7B, a gene where loss-of-function variants are known to be pathogenic. Please note: this variant was assessed in the context of healthy population screening.

NM_000053.4(ATP7B):c.531_535del (p.Leu178fs)

Gene: ATP7B (ATPase copper transporting beta; minus strand). Cytogenetic location: 13q14.3.
Variant type: Deletion.
Coding change: c.531_535del on transcript NM_000053.4 (MANE Select); coding-DNA positions 531 to 535, 5 bases deleted (ACTCA; older notation c.531_535delACTCA).
Protein change: p.Leu178fs; shifts the reading frame from leucine 178.
Molecular consequence: frameshift variant.
Genome position (GRCh38, 1-based): chr13:51,974,685-51,974,689, TGAGT deleted on the plus strand (ACTCA on the coding strand, the reverse complement: ATP7B is on the minus strand). VCF-style (leftmost placement, unchanged base first): chr13-51974684-CTGAGT-C. GRCh37 (hg19) VCF-style: chr13-52548820-CTGAGT-C.
Other names: c.531_535del, p.Leu178fs (NM_001005918.3, NM_001243182.2, NM_001330578.2 and 1 more transcripts); c.531_535delACTCA, p.Leu178Glnfs (NM_001406511.1, NM_001406512.1, NM_001406513.1 and 26 more transcripts); c.435_439delACTCA, p.Leu146Glnfs (NM_001406517.1, NM_001406518.1, NM_001406530.1 and 4 more transcripts); short protein forms L178fs.
Identifiers: ClinVar variation 1726994 (VCV001726994.2), dbSNP rs2547821915, ClinGen allele CA2580087696.